The following is an entry in ClinVar:

NM_025114.4(CEP290):c.2991G>A (p.Glu997=)

Gene: CEP290 (centrosomal protein 290; minus strand). Cytogenetic location: 12q21.32.
Variant type: single nucleotide variant.
Coding change: c.2991G>A on transcript NM_025114.4 (MANE Select); coding-DNA position 2991, G replaced by A.
Protein change: p.Glu997=; no amino-acid change (glutamic acid 997 retained).
Molecular consequence: synonymous variant.
Genome position (GRCh38, 1-based): chr12:88,102,838, C>T on the plus strand (G>A on the coding strand, the complement: CEP290 is on the minus strand). VCF-style: chr12-88102838-C-T. GRCh37 (hg19) VCF-style: chr12-88496615-C-T.
Identifiers: ClinVar variation 1432214 (VCV001432214.3), dbSNP rs2037995979, ClinGen allele CA481049308.

ClinVar aggregate classification (germline): Uncertain significance (1 of 4 stars; one submission).

Conditions:
Joubert syndrome. Also called: CEREBELLOPARENCHYMAL DISORDER IV; JOUBERT-BOLTSHAUSER SYNDROME; Familial aplasia of the vermis. Identifiers: Orphanet 475, MedGen C5979921, MONDO:0018772.
Nephronophthisis. Also called: Juvenile Nephronophthisis. Identifiers: Orphanet 655, MedGen C0687120, MONDO:0019005, HP:0000090.
Meckel-Gruber syndrome. Also called: DYSENCEPHALIA SPLANCHNOCYSTICA; GRUBER SYNDROME; Dysencephalia splachnocystica. Identifiers: Orphanet 564, MedGen C0265215, MONDO:0018921.

Allele frequency attached by ClinVar (database versions not stated): gnomAD exomes below 0.00001; gnomAD 0.00001; TOPMed 0.00001.
gnomAD v4.1: 4 of 1,608,244 alleles (0.00025%); highest among the groups gnomAD compares: Admixed American, 0.0017%; no homozygotes.

Submission:

Labcorp Genetics (formerly Invitae), Labcorp
Classification: Uncertain significance for Joubert syndrome; Meckel-Gruber syndrome; Nephronophthisis. Last evaluated: 2022-10-04. Review status: criteria provided, single submitter. Criteria: Invitae Variant Classification Sherloc (09022015). Collection method: clinical testing. Allele origin: germline.
Comment: This sequence change affects codon 997 of the CEP290 mRNA. It is a 'silent' change, meaning that it does not change the encoded amino acid sequence of the CEP290 protein. This variant also falls at the last nucleotide of exon 26, which is part of the consensus splice site for this exon. This variant is not present in population databases (gnomAD no frequency). This variant has not been reported in the literature in individuals affected with CEP290-related conditions. ClinVar contains an entry for this variant (Variation ID: 1432214). Variants that disrupt the consensus splice site are a relatively common cause of aberrant splicing (PMID: 17576681, 9536098). Algorithms developed to predict the effect of sequence changes on RNA splicing suggest that this variant is not likely to affect RNA splicing. In summary, the available evidence is currently insufficient to determine the role of this variant in disease. Therefore, it has been classified as a Variant of Uncertain Significance.

Literature cited by the submitters: PubMed 17576681; PubMed 9536098.